The following is an entry in ClinVar:

NM_032581.4(HYCC1):c.1259T>G (p.Leu420Arg)

Gene: HYCC1 (hyccin PI4KA lipid kinase complex subunit 1; minus strand). Cytogenetic location: 7p15.3.
Variant type: single nucleotide variant.
Coding change: c.1259T>G on transcript NM_032581.4 (MANE Select); coding-DNA position 1259, T replaced by G.
Protein change: p.Leu420Arg; replaces leucine 420 with arginine.
Molecular consequence: missense variant. On other transcripts: 3 prime UTR variant (2).
Genome position (GRCh38, 1-based): chr7:22,945,896, A>C on the plus strand (T>G on the coding strand, the complement: HYCC1 is on the minus strand). VCF-style: chr7-22945896-A-C. GRCh37 (hg19) VCF-style: chr7-22985515-A-C.
Other names: c.*295T>G (NM_001363466.2); c.*253T>G (NM_001363467.2); short protein forms L420R.
Identifiers: ClinVar variation 2096388 (VCV002096388.4), dbSNP rs2534334011, ClinGen allele CA366970098.

ClinVar aggregate classification (germline): Uncertain significance (1 of 4 stars; one submission).

Conditions:
Hypomyelination and Congenital Cataract (HLD5). Also called: hypomyelinating leukodystrophy 5. Identifiers: Orphanet 85163, MedGen C1864663, MONDO:0012514, OMIM 610532.

Submission:

Labcorp Genetics (formerly Invitae), Labcorp
Classification: Uncertain significance for Hypomyelination and Congenital Cataract. Last evaluated: 2022-09-01. Review status: criteria provided, single submitter. Criteria: Invitae Variant Classification Sherloc (09022015). Collection method: clinical testing. Allele origin: germline.
Comment: This variant has not been reported in the literature in individuals affected with FAM126A-related conditions. This variant is not present in population databases (gnomAD no frequency). This sequence change replaces leucine, which is neutral and non-polar, with arginine, which is basic and polar, at codon 420 of the FAM126A protein (p.Leu420Arg). Algorithms developed to predict the effect of missense changes on protein structure and function are either unavailable or do not agree on the potential impact of this missense change (SIFT: "Tolerated"; PolyPhen-2: "Probably Damaging"; Align-GVGD: "Class C0"). In summary, the available evidence is currently insufficient to determine the role of this variant in disease. Therefore, it has been classified as a Variant of Uncertain Significance.